The following is an entry in ClinVar:

NM_002693.3(POLG):c.1633G>T (p.Ala545Ser)

Gene: POLG (DNA polymerase gamma, catalytic subunit; minus strand). Cytogenetic location: 15q26.1.
Variant type: single nucleotide variant.
Coding change: c.1633G>T on transcript NM_002693.3 (MANE Select); coding-DNA position 1633, G replaced by T.
Protein change: p.Ala545Ser; replaces alanine 545 with serine.
Molecular consequence: missense variant.
Genome position (GRCh38, 1-based): chr15:89,326,691, C>A on the plus strand (G>T on the coding strand, the complement: POLG is on the minus strand). VCF-style: chr15-89326691-C-A. GRCh37 (hg19) VCF-style: chr15-89869922-C-A.
Other names: c.1633G>T, p.Ala545Ser (NM_001126131.2); short protein forms A545S.
Identifiers: ClinVar variation 2149425 (VCV002149425.3), dbSNP rs2509253253, ClinGen allele CA393760578.

ClinVar aggregate classification (germline): Uncertain significance (1 of 4 stars; one submission).

Conditions:
Progressive sclerosing poliodystrophy (MTDPS4A). Also called: Mitochondrial DNA depletion syndrome 4A (Alpers type); Alpers Syndrome; ALPERS DIFFUSE DEGENERATION OF CEREBRAL GRAY MATTER WITH HEPATIC CIRRHOSIS; Alpers-Huttenlocher Syndrome; ALPERS PROGRESSIVE INFANTILE POLIODYSTROPHY; NEURONAL DEGENERATION OF CHILDHOOD WITH LIVER DISEASE, PROGRESSIVE. Identifiers: Orphanet 726, MedGen C0205710, MONDO:0008758, OMIM 203700.

Submission:

Labcorp Genetics (formerly Invitae), Labcorp
Classification: Uncertain significance for Progressive sclerosing poliodystrophy. Last evaluated: 2025-11-09. Review status: criteria provided, single submitter. Criteria: Invitae Variant Classification Sherloc (09022015). Collection method: clinical testing. Allele origin: germline.
Comment: This sequence change replaces alanine, which is neutral and non-polar, with serine, which is neutral and polar, at codon 545 of the POLG protein (p.Ala545Ser). This variant is not present in population databases (gnomAD no frequency). This variant has not been reported in the literature in individuals affected with POLG-related conditions. ClinVar contains an entry for this variant (Variation ID: 2149425). Invitae Evidence Modeling of protein sequence and biophysical properties (such as structural, functional, and spatial information, amino acid conservation, physicochemical variation, residue mobility, and thermodynamic stability) indicates that this missense variant is not expected to disrupt POLG protein function with a negative predictive value of 95%. In summary, the available evidence is currently insufficient to determine the role of this variant in disease. Therefore, it has been classified as a Variant of Uncertain Significance.